The following is an entry in ClinVar:

NM_001048174.2(MUTYH):c.608C>A (p.Ala203Glu)

Gene: MUTYH (mutY DNA glycosylase; minus strand). Cytogenetic location: 1p34.1.
Variant type: single nucleotide variant.
Coding change: c.608C>A on transcript NM_001048174.2 (MANE Select); coding-DNA position 608, C replaced by A.
Protein change: p.Ala203Glu; replaces alanine 203 with glutamic acid.
Molecular consequence: missense variant. On other transcripts: non-coding transcript variant (7).
Genome position (GRCh38, 1-based): chr1:45,332,487, G>T on the plus strand (C>A on the coding strand, the complement: MUTYH is on the minus strand). VCF-style: chr1-45332487-G-T. GRCh37 (hg19) VCF-style: chr1-45798159-G-T.
Other names: c.629C>A, p.Ala210Glu (NM_001407087.1); c.608C>A, p.Ala203Glu (NM_001407088.1, NM_001048173.2, NM_001293195.2 and 6 more transcripts); c.692C>A, p.Ala231Glu (NM_001128425.2); c.653C>A, p.Ala218Glu (NM_001293190.2); c.641C>A, p.Ala214Glu (NM_001293191.2, NM_001407069.1, NM_001407077.1); c.332C>A, p.Ala111Glu (NM_001293192.2, NM_001293196.2, NM_001407091.1); c.569C>A, p.Ala190Glu (NM_001407079.1); c.566C>A, p.Ala189Glu (NM_001407080.1); and 5 more; short protein forms A204E, A214E, A228E, A231E, A175E, A190E, A210E, A111E.
Identifiers: ClinVar variation 4113798 (VCV004113798.1).

ClinVar aggregate classification (germline): Uncertain significance (1 of 4 stars; one submission).

Conditions:
Hereditary cancer-predisposing syndrome. Also called: Hereditary neoplastic syndrome; Neoplastic Syndromes, Hereditary; Tumor predisposition; Hereditary Cancer Syndrome. Identifiers: Orphanet 140162, MedGen C0027672, MeSH D009386, MONDO:0015356.

Submission:

Ambry Genetics
Classification: Uncertain significance for Hereditary cancer-predisposing syndrome. Last evaluated: 2025-08-27. Review status: criteria provided, single submitter. Criteria: Ambry Variant Classification Scheme 2023. Collection method: clinical testing. Allele origin: germline.
Comment: The p.A231E variant (also known as c.692C>A), located in coding exon 9 of the MUTYH gene, results from a C to A substitution at nucleotide position 692. The alanine at codon 231 is replaced by glutamic acid, an amino acid with dissimilar properties. This amino acid position is conserved. In addition, the in silico prediction for this alteration is inconclusive. Based on the available evidence, the clinical significance of this variant remains unclear.